The following is an entry in ClinVar:

NM_152564.5(VPS13B):c.3734A>G (p.Asn1245Ser)

Gene: VPS13B (vacuolar protein sorting 13 homolog B; plus strand). Cytogenetic location: 8q22.2.
Variant type: single nucleotide variant.
Coding change: c.3734A>G on transcript NM_152564.5 (MANE Select); coding-DNA position 3734, A replaced by G.
Protein change: p.Asn1245Ser; replaces asparagine 1245 with serine.
Molecular consequence: missense variant.
Genome position (GRCh38, 1-based): chr8:99,481,666, A>G. VCF-style: chr8-99481666-A-G. GRCh37 (hg19) VCF-style: chr8-100493894-A-G.
Other names: c.3734A>G, p.Asn1245Ser (NM_017890.5); short protein forms N1245S.
Identifiers: ClinVar variation 2190516 (VCV002190516.3), dbSNP rs949766937, ClinGen allele CA182976679.
Genomic context (GRCh38, chr8:99,481,666, plus strand): 5'-TCTTCTATGAACTAACTGATATCATGAATAAGGTCTGGAACAAGATTCAGAAGAGAGGCA[A>G]TCTCAACCTATCTCCAACCTCTCCAGAGACCATGGCAGGGCCTGTTCCTACTTCTCCAGT-3'
Protein context (NP_689777.3, residues 1235-1255): KVWNKIQKRG[Asn1245Ser]LNLSPTSPET

ClinVar aggregate classification (germline): Uncertain significance (1 of 4 stars; one submission).

Conditions:
Cohen syndrome (COH1). Also called: Cutis verticis gyrata, retinitis pigmentosa, and sensorineural deafness; PEPPER SYNDROME. Identifiers: Orphanet 193, MedGen C0265223, MONDO:0008999, OMIM 216550.

Allele frequency attached by ClinVar (database versions not stated): gnomAD exomes below 0.00001.
gnomAD v4.1: 3 of 1,613,978 alleles (0.00019%); highest among the groups gnomAD compares: Non-Finnish European, 0.00025%; no homozygotes.

Submission:

Labcorp Genetics (formerly Invitae), Labcorp
Classification: Uncertain significance for Cohen syndrome. Last evaluated: 2024-10-26. Review status: criteria provided, single submitter. Criteria: Invitae Variant Classification Sherloc (09022015). Collection method: clinical testing. Allele origin: germline.
Comment: This sequence change replaces asparagine, which is neutral and polar, with serine, which is neutral and polar, at codon 1245 of the VPS13B protein (p.Asn1245Ser). This variant is not present in population databases (gnomAD no frequency). This variant has not been reported in the literature in individuals affected with VPS13B-related conditions. ClinVar contains an entry for this variant (Variation ID: 2190516). Invitae Evidence Modeling of protein sequence and biophysical properties (such as structural, functional, and spatial information, amino acid conservation, physicochemical variation, residue mobility, and thermodynamic stability) indicates that this missense variant is not expected to disrupt VPS13B protein function with a negative predictive value of 80%. In summary, the available evidence is currently insufficient to determine the role of this variant in disease. Therefore, it has been classified as a Variant of Uncertain Significance.